The following is an entry in ClinVar:

NM_001370259.2(MEN1):c.1562C>G (p.Thr521Ser)

Gene: MEN1 (menin 1; minus strand). Cytogenetic location: 11q13.1.
Variant type: single nucleotide variant.
Coding change: c.1562C>G on transcript NM_001370259.2 (MANE Select); coding-DNA position 1562, C replaced by G.
Protein change: p.Thr521Ser; replaces threonine 521 with serine.
Molecular consequence: missense variant.
Genome position (GRCh38, 1-based): chr11:64,804,605, G>C on the plus strand (C>G on the coding strand, the complement: MEN1 is on the minus strand). VCF-style: chr11-64804605-G-C. GRCh37 (hg19) VCF-style: chr11-64572077-G-C.
Other names: c.1577C>G, p.Thr526Ser (NM_000244.4, NM_130800.3, NM_130801.3 and 3 more transcripts); c.1688C>G, p.Thr563Ser (NM_001370251.2); c.1562C>G, p.Thr521Ser (NM_001370260.2, NM_001370261.2, NM_130799.3); c.1457C>G, p.Thr486Ser (NM_001370262.2, NM_001370263.2); short protein forms T526S, T486S, T521S, T563S.
Identifiers: ClinVar variation 657492 (VCV000657492.10), dbSNP rs1565636898, ClinGen allele CA381178475.

ClinVar aggregate classification (germline): Uncertain significance (1 of 4 stars; one submission).

Conditions:
Multiple endocrine neoplasia, type 1 (MEN1). Also called: Endocrine adenomatosis multiple; MEN 1; MEN I; WERMER SYNDROME; MEA I. Identifiers: Orphanet 652, MedGen C0025267, MeSH D018761, MONDO:0007540, OMIM 131100.

Submission:

Labcorp Genetics (formerly Invitae), Labcorp
Classification: Uncertain significance for Multiple endocrine neoplasia, type 1. Last evaluated: 2024-04-30. Review status: criteria provided, single submitter. Criteria: Invitae Variant Classification Sherloc (09022015). Collection method: clinical testing. Allele origin: germline.
Comment: This sequence change replaces threonine, which is neutral and polar, with serine, which is neutral and polar, at codon 521 of the MEN1 protein (p.Thr521Ser). This variant is not present in population databases (gnomAD no frequency). This variant has not been reported in the literature in individuals affected with MEN1-related conditions. ClinVar contains an entry for this variant (Variation ID: 657492). Advanced modeling of protein sequence and biophysical properties (such as structural, functional, and spatial information, amino acid conservation, physicochemical variation, residue mobility, and thermodynamic stability) performed at Invitae indicates that this missense variant is not expected to disrupt MEN1 protein function with a negative predictive value of 95%. In summary, the available evidence is currently insufficient to determine the role of this variant in disease. Therefore, it has been classified as a Variant of Uncertain Significance.